The following is an entry in ClinVar:

NM_004855.5(PIGB):c.110G>A (p.Arg37Lys)

Gene: PIGB (phosphatidylinositol glycan anchor biosynthesis class B; plus strand). Cytogenetic location: 15q21.3.
Variant type: single nucleotide variant.
Coding change: c.110G>A on transcript NM_004855.5 (MANE Select); coding-DNA position 110, G replaced by A.
Protein change: p.Arg37Lys; replaces arginine 37 with lysine.
Molecular consequence: missense variant.
Genome position (GRCh38, 1-based): chr15:55,319,360, G>A. VCF-style: chr15-55319360-G-A. GRCh37 (hg19) VCF-style: chr15-55611558-G-A.
Other names: short protein forms R37K.
Identifiers: ClinVar variation 2102408 (VCV002102408.4), dbSNP rs2543052257, ClinGen allele CA392541021.

ClinVar aggregate classification (germline): Uncertain significance (1 of 4 stars; one submission).

Submission:

Labcorp Genetics (formerly Invitae), Labcorp
Classification: Uncertain significance. Last evaluated: 2022-02-23. Review status: criteria provided, single submitter. Criteria: Invitae Variant Classification Sherloc (09022015). Collection method: clinical testing. Allele origin: germline.
Comment: This variant has not been reported in the literature in individuals affected with PIGB-related conditions. Algorithms developed to predict the effect of missense changes on protein structure and function are either unavailable or do not agree on the potential impact of this missense change (SIFT: "Deleterious"; PolyPhen-2: "Benign"; Align-GVGD: "Class C0"). In summary, the available evidence is currently insufficient to determine the role of this variant in disease. Therefore, it has been classified as a Variant of Uncertain Significance. This variant is not present in population databases (gnomAD no frequency). This sequence change replaces arginine, which is basic and polar, with lysine, which is basic and polar, at codon 37 of the PIGB protein (p.Arg37Lys).